The following is an entry in ClinVar:

NM_003072.5(SMARCA4):c.4119C>A (p.His1373Gln)

Gene: SMARCA4 (SWI/SNF related BAF chromatin remodeling complex subunit ATPase 4; plus strand). Cytogenetic location: 19p13.2.
Variant type: single nucleotide variant.
Coding change: c.4119C>A on transcript NM_003072.5 (MANE Select); coding-DNA position 4119, C replaced by A.
Protein change: p.His1373Gln; replaces histidine 1373 with glutamine.
Molecular consequence: missense variant. On other transcripts: non-coding transcript variant (1).
Genome position (GRCh38, 1-based): chr19:11,035,081, C>A. VCF-style: chr19-11035081-C-A. GRCh37 (hg19) VCF-style: chr19-11145757-C-A.
Other names: c.4119C>A, p.His1373Gln (NM_001128844.3, NM_001128849.3, NM_001387283.1); c.4020C>A, p.His1340Gln (NM_001128845.2, NM_001128846.2, NM_001128847.4 and 3 more transcripts); short protein forms H1340Q, H1373Q.
Identifiers: ClinVar variation 4864788 (VCV004864788.1).

ClinVar aggregate classification (germline): Uncertain significance (1 of 4 stars; one submission).

Conditions:
Hereditary cancer-predisposing syndrome. Also called: Neoplastic Syndromes, Hereditary; Tumor predisposition; Hereditary Cancer Syndrome; Hereditary neoplastic syndrome. Identifiers: Orphanet 140162, MedGen C0027672, MeSH D009386, MONDO:0015356.

Submission:

Ambry Genetics
Classification: Uncertain significance for Hereditary cancer-predisposing syndrome. Last evaluated: 2026-05-22. Review status: criteria provided, single submitter. Criteria: Ambry Variant Classification Scheme 2023. Collection method: clinical testing. Allele origin: germline.
Comment: The p.H1373Q variant (also known as c.4119C>A), located in coding exon 28 of the SMARCA4 gene, results from a C to A substitution at nucleotide position 4119. The histidine at codon 1373 is replaced by glutamine, an amino acid with highly similar properties. This amino acid position is conserved. In addition, this alteration is predicted to be tolerated by in silico analysis. Based on the available evidence, the clinical significance of this variant remains unclear.